The following is an entry in ClinVar:

ClinVar aggregate classification (germline): Uncertain significance (1 of 4 stars; one submission).

Conditions:
Hereditary sensory and autonomic neuropathy type 7. Also called: HSAN VII; Neuropathy, hereditary sensory and autonomic, type VII. Identifiers: Orphanet 391397, MedGen C3809882, MONDO:0014244, OMIM 615548.
Familial episodic pain syndrome with predominantly lower limb involvement. Also called: Episodic pain syndrome, familial, 3. Identifiers: Orphanet 391384, Orphanet 391392, MedGen C3809899, MONDO:0014247, OMIM 615552.

gnomAD v4.1: 2 of 1,614,024 alleles (0.00012%); highest among the groups gnomAD compares: Non-Finnish European, 0.000085%; no homozygotes.

Submission:

Labcorp Genetics (formerly Invitae), Labcorp
Classification: Uncertain significance for Familial episodic pain syndrome with predominantly lower limb involvement; Hereditary sensory and autonomic neuropathy type 7. Last evaluated: 2024-12-17. Review status: criteria provided, single submitter. Criteria: Invitae Variant Classification Sherloc (09022015). Collection method: clinical testing. Allele origin: germline.
Comment: This sequence change replaces serine, which is neutral and polar, with phenylalanine, which is neutral and non-polar, at codon 1779 of the SCN11A protein (p.Ser1779Phe). This variant is not present in population databases (gnomAD no frequency). This variant has not been reported in the literature in individuals affected with SCN11A-related conditions. An algorithm developed to predict the effect of missense changes on protein structure and function (PolyPhen-2) suggests that this variant is likely to be tolerated. In summary, the available evidence is currently insufficient to determine the role of this variant in disease. Therefore, it has been classified as a Variant of Uncertain Significance.

NM_001349253.2(SCN11A):c.5336C>T (p.Ser1779Phe)

Gene: SCN11A (sodium voltage-gated channel alpha subunit 11; minus strand). Cytogenetic location: 3p22.2.
Variant type: single nucleotide variant.
Coding change: c.5336C>T on transcript NM_001349253.2 (MANE Select); coding-DNA position 5336, C replaced by T.
Protein change: p.Ser1779Phe; replaces serine 1779 with phenylalanine.
Molecular consequence: missense variant.
Genome position (GRCh38, 1-based): chr3:38,846,734, G>A on the plus strand (C>T on the coding strand, the complement: SCN11A is on the minus strand). VCF-style: chr3-38846734-G-A. GRCh37 (hg19) VCF-style: chr3-38888225-G-A.
Other names: c.5336C>T, p.Ser1779Phe (NM_014139.3); short protein forms S1779F.
Identifiers: ClinVar variation 3753943 (VCV003753943.2).